The following is an entry in ClinVar:

ClinVar aggregate classification (germline): Pathogenic (0 of 4 stars; one submission).

Allele frequency attached by ClinVar (database versions not stated): gnomAD exomes below 0.00001.
gnomAD v4.1: 1 of 1,613,110 alleles (0.000062%); highest among the groups gnomAD compares: South Asian, 0.0011%; no homozygotes.

Submission:

Leeds Amelogenesis Imperfecta Research Group, University of Leeds
Classification: Pathogenic. Last evaluated: 2023-01-04. Review status: no assertion criteria provided. Collection method: research. Allele origin: biparental. Inheritance: Autosomal recessive inheritance. Affected: yes. Observed: 1 homozygote. Segregation with disease observed.
Comment: Variant not identified in gnomAD

NM_012401.4(PLXNB2):c.4609G>A (p.Gly1537Ser)

Gene: PLXNB2 (plexin B2; minus strand). Cytogenetic location: 22q13.33.
Variant type: single nucleotide variant.
Coding change: c.4609G>A on transcript NM_012401.4 (MANE Select); coding-DNA position 4609, G replaced by A.
Protein change: p.Gly1537Ser; replaces glycine 1537 with serine.
Molecular consequence: missense variant.
Genome position (GRCh38, 1-based): chr22:50,278,634, C>T on the plus strand (G>A on the coding strand, the complement: PLXNB2 is on the minus strand). VCF-style: chr22-50278634-C-T. GRCh37 (hg19) VCF-style: chr22-50717063-C-T.
Other names: c.4846G>A, p.Gly1616Ser (NM_001376864.1); c.4678G>A, p.Gly1560Ser (NM_001376865.1); c.4609G>A, p.Gly1537Ser (NM_001376866.1, NM_001376867.1, NM_001376868.1 and 14 more transcripts); c.4585G>A, p.Gly1529Ser (NM_001376883.1); c.4531G>A, p.Gly1511Ser (NM_001376884.1, NM_001376885.1); c.4516G>A, p.Gly1506Ser (NM_001376886.1); short protein forms G1506S, G1511S, G1529S, G1537S, G1560S, G1616S.
Identifiers: ClinVar variation 1895428 (VCV001895428.1), dbSNP rs2519435651, ClinGen allele CA412152095.
Genomic context (GRCh38, chr22:50,278,634, plus strand): 5'-CCGCCCCGGCCTACACGCTCACATTGTAGTGCATAAGGGTGTTGACGCGCTTCCACCGGC[C>T]CTCCCGCTGTGACGTCAGGTCCAGGTCCGACAGGATCTGCGCTGTGGAGCCCGGACGCCA-3'
Protein context (NP_036533.2, residues 1527-1547): SDLDLTSQRE[Gly1537Ser]RWKRVNTLMH